The following is an entry in ClinVar:

ClinVar aggregate classification (germline): Likely benign (0 of 4 stars; one submission).

Conditions:
PLXNA2-related disorder. Also called: PLXNA2-related condition.

Allele frequency attached by ClinVar (database versions not stated): gnomAD exomes below 0.00001; ExAC 0.00001; TOPMed 0.00010; gnomAD 0.00013.
gnomAD v4.1: 24 of 1,600,694 alleles (0.0015%); highest among the groups gnomAD compares: African/African-American, 0.032%; no homozygotes.

Submission:

PreventionGenetics, part of Exact Sciences
Classification: Likely benign for PLXNA2-related condition. Last evaluated: 2021-07-05. Review status: no assertion criteria provided. Collection method: clinical testing. Allele origin: germline.
Comment: This variant is classified as likely benign based on ACMG/AMP sequence variant interpretation guidelines (Richards et al. 2015 PMID: 25741868, with internal and published modifications).

NM_025179.4(PLXNA2):c.3640-10C>T

Gene: PLXNA2 (plexin A2; minus strand). Cytogenetic location: 1q32.2.
Variant type: single nucleotide variant.
Coding change: c.3640-10C>T on transcript NM_025179.4 (MANE Select); 10 bases into the intron before coding-DNA position 3640, C replaced by T.
Molecular consequence: intron variant.
Genome position (GRCh38, 1-based): chr1:208,044,752, G>A on the plus strand (C>T on the coding strand, the complement: PLXNA2 is on the minus strand). VCF-style: chr1-208044752-G-A. GRCh37 (hg19) VCF-style: chr1-208218097-G-A.
Identifiers: ClinVar variation 3054662 (VCV003054662.2), dbSNP rs780464809, ClinGen allele CA1373108.